The following is an entry in ClinVar:

NM_001458.5(FLNC):c.5653A>T (p.Lys1885Ter)

Genes: FLNC (filamin C; plus strand), FLNC-AS1 (FLNC antisense RNA 1; minus strand). Cytogenetic location: 7q32.1.
Variant type: single nucleotide variant.
Coding change: c.5653A>T on transcript NM_001458.5 (MANE Select); coding-DNA position 5653, A replaced by T.
Protein change: p.Lys1885Ter; replaces lysine 1885 with a stop codon.
Molecular consequence: nonsense.
Genome position (GRCh38, 1-based): chr7:128,851,345, A>T. VCF-style: chr7-128851345-A-T. GRCh37 (hg19) VCF-style: chr7-128491399-A-T.
Other names: c.5554A>T, p.Lys1852Ter (NM_001127487.2); short protein forms K1885*, K1852*.
Identifiers: ClinVar variation 567717 (VCV000567717.2), dbSNP rs1563001456, ClinGen allele CA369207804.

ClinVar aggregate classification (germline): Pathogenic (1 of 4 stars; one submission).

Conditions:
Distal myopathy with posterior leg and anterior hand involvement. Also called: WILLIAMS DISTAL MYOPATHY. Identifiers: Orphanet 63273, MedGen C3279722, MONDO:0013550, OMIM 614065.
Myofibrillar myopathy 5. Also called: FILAMINOPATHY, AUTOSOMAL DOMINANT; Filaminopathy (type). Identifiers: Orphanet 171445, MedGen C1836050, MONDO:0012289, OMIM 609524.
Hypertrophic cardiomyopathy 26. Also called: Cardiomyopathy, familial hypertrophic, 26. Identifiers: Orphanet 75249, MedGen C4310749, MONDO:0014883, OMIM 617047.
Dilated Cardiomyopathy, Dominant.

Submission:

Labcorp Genetics (formerly Invitae), Labcorp
Classification: Pathogenic for Distal myopathy with posterior leg and anterior hand involvement; Myofibrillar myopathy 5; Hypertrophic cardiomyopathy 26. Last evaluated: 2018-01-25. Review status: criteria provided, single submitter. Criteria: Invitae Variant Classification Sherloc (09022015). Collection method: clinical testing. Allele origin: germline.
Comment: This sequence change creates a premature translational stop signal (p.Lys1885*) in the FLNC gene. It is expected to result in an absent or disrupted protein product. This variant is not present in population databases (ExAC no frequency). This variant has not been reported in the literature in individuals with FLNC-related disease. Loss-of-function variants in FLNC are known to be pathogenic (PMID: 27908349). For these reasons, this variant has been classified as Pathogenic.

Literature cited by the submitters: PubMed 27908349.